The following is an entry in ClinVar:

NM_017654.4(SAMD9):c.3813dup (p.Asp1272Ter)

Gene: SAMD9 (sterile alpha motif domain containing 9; minus strand). Cytogenetic location: 7q21.2.
Variant type: Duplication.
Coding change: c.3813dup on transcript NM_017654.4 (MANE Select); coding-DNA position 3813, one base duplicated (T; older notation c.3813dupT).
Protein change: p.Asp1272Ter; replaces aspartic acid 1272 with a stop codon.
Molecular consequence: nonsense.
Genome position (GRCh38, 1-based): chr7:93,102,285, A duplicated on the plus strand (T on the coding strand, the reverse complement: SAMD9 is on the minus strand); the first of 7 consecutive A bases (chr7:93,102,285-93,102,291); duplicating any one gives the same sequence. VCF-style (leftmost placement, unchanged base first): chr7-93102284-C-CA. GRCh37 (hg19) VCF-style: chr7-92731597-C-CA.
Other names: c.3813dup, p.Asp1272Ter (NM_001193307.2); c.3813dupT (NM_017654.3); short protein forms D1272*.
Identifiers: ClinVar variation 1406560 (VCV001406560.6), dbSNP rs748414027, ClinGen allele CA4342633.

ClinVar aggregate classification (germline): Uncertain significance. Review status: criteria provided, multiple submitters, no conflicts (2 of 4 stars). 2 submissions from 2 submitters: Uncertain significance (2). Last evaluated 2025-09-04.

Conditions:
SAMD9-related disorder. Also called: SAMD9-related condition.

Submissions (2):

Labcorp Genetics (formerly Invitae), Labcorp
Classification: Uncertain significance. Last evaluated: 2025-09-04. Review status: criteria provided, single submitter. Criteria: Invitae Variant Classification Sherloc (09022015). Collection method: clinical testing. Allele origin: germline.
Comment: This sequence change creates a premature translational stop signal (p.Asp1272*) in the SAMD9 gene. While this is not anticipated to result in nonsense mediated decay, it is expected to disrupt the last 318 amino acid(s) of the SAMD9 protein. This variant is present in population databases (rs748414027, gnomAD 0.007%). This variant has not been reported in the literature in individuals affected with SAMD9-related conditions. ClinVar contains an entry for this variant (Variation ID: 1406560). In summary, the available evidence is currently insufficient to determine the role of this variant in disease. Therefore, it has been classified as a Variant of Uncertain Significance.

PreventionGenetics, part of Exact Sciences
Classification: Uncertain significance for SAMD9-related condition. Last evaluated: 2023-08-23. Review status: criteria provided, single submitter. Criteria: ACMG Guidelines, 2015. Collection method: clinical testing. Allele origin: germline.
Comment: The SAMD9 c.3813dupT variant is predicted to result in premature protein termination (p.Asp1272*). To our knowledge, this variant has not been reported in the literature. This variant is reported in 0.0065% of alleles in individuals of African descent in gnomAD and is interpreted as uncertain significance in ClinVar. Loss of function has not been conclusively established as a mechanism for SAMD9-related disorders. At this time, the clinical significance of this variant is uncertain due to the absence of conclusive functional and genetic evidence.